The following is an entry in ClinVar:

ClinVar aggregate classification (germline): Uncertain significance. Review status: criteria provided, multiple submitters, no conflicts (2 of 4 stars). 2 submissions from 2 submitters: Uncertain significance (2). Last evaluated 2021-06-14.

Conditions:
ALG9 congenital disorder of glycosylation (CDG1L). Also called: CDG Il; CONGENITAL DISORDER OF GLYCOSYLATION, TYPE Il; ALG9-CDG. Identifiers: Orphanet 79328, MedGen C2931006, MONDO:0012117, OMIM 608776.

Allele frequency attached by ClinVar (database versions not stated): gnomAD exomes below 0.00001 and 0.00001; gnomAD 0.00003 and 0.00004; TOPMed 0.00003.
gnomAD v4.1: 11 of 1,614,022 alleles (0.00068%); highest among the groups gnomAD compares: African/African-American, 0.012%; no homozygotes.

Submissions (2):

Labcorp Genetics (formerly Invitae), Labcorp
Classification: Uncertain significance for ALG9 congenital disorder of glycosylation. Last evaluated: 2021-06-14. Review status: criteria provided, single submitter. Criteria: Invitae Variant Classification Sherloc (09022015). Collection method: clinical testing. Allele origin: germline.
Comment: This sequence change replaces asparagine with serine at codon 749 of the ATP6V0A2 protein (p.Asn749Ser). The asparagine residue is highly conserved and there is a small physicochemical difference between asparagine and serine. This variant is not present in population databases (ExAC no frequency). This variant has not been reported in the literature in individuals with ATP6V0A2-related conditions. ClinVar contains an entry for this variant (Variation ID: 373538). Algorithms developed to predict the effect of missense changes on protein structure and function are either unavailable or do not agree on the potential impact of this missense change (SIFT: "Tolerated"; PolyPhen-2: "Probably Damaging"; Align-GVGD: "Class C0"). Algorithms developed to predict the effect of sequence changes on RNA splicing suggest that this variant may create or strengthen a splice site, but this prediction has not been confirmed by published transcriptional studies. In summary, the available evidence is currently insufficient to determine the role of this variant in disease. Therefore, it has been classified as a Variant of Uncertain Significance.

GeneDx
Classification: Uncertain significance. Last evaluated: 2016-12-06. Review status: criteria provided, single submitter. Criteria: GeneDx Variant Classification (06012015). Collection method: clinical testing. Allele origin: germline. Affected: yes.
Comment: A variant of uncertain significance has been identified in the ATP6V0A2 gene. The N749S variant has not been published as a pathogenic variant, nor has it been reported as a benign variant to our knowledge. The N749S variant was not observed in approximately 6,500 individuals of European and African American ancestry in the NHLBI Exome Sequencing Project, indicating it is not a common benign variant in these populations. Additionally, this substitution occurs at a position that is conserved across species and in silico analysis predicts this variant is probably damaging to the protein structure/function. However, it is a conservative amino acid substitution, which is not likely to impact secondary protein structure as these residues share similar properties.Therefore, based on the currently available information, it is unclear whether this variant is pathogenic or rare benign.

NM_012463.4(ATP6V0A2):c.2246A>G (p.Asn749Ser)

Gene: ATP6V0A2 (ATPase H+ transporting V0 subunit a2; plus strand). Cytogenetic location: 12q24.31.
Variant type: single nucleotide variant.
Coding change: c.2246A>G on transcript NM_012463.4 (MANE Select); coding-DNA position 2246, A replaced by G.
Protein change: p.Asn749Ser; replaces asparagine 749 with serine.
Molecular consequence: missense variant.
Genome position (GRCh38, 1-based): chr12:123,754,490, A>G. VCF-style: chr12-123754490-A-G. GRCh37 (hg19) VCF-style: chr12-124239037-A-G.
Other names: short protein forms N749S.
Identifiers: ClinVar variation 373538 (VCV000373538.8), dbSNP rs941238473, ClinGen allele CA16042840.